The following is an entry in ClinVar:

ClinVar aggregate classification (germline): Likely benign. Review status: criteria provided, multiple submitters, no conflicts (2 of 4 stars). 6 submissions from 6 submitters: Likely benign (6). Last evaluated 2025-11-25.

Conditions:
Familial thoracic aortic aneurysm and aortic dissection (TAAD). Also called: Thoracic aortic aneurysms and dissections. Identifiers: Orphanet 91387, MedGen C4707243, MONDO:0019625.
Aortic aneurysm, familial thoracic 4 (AAT4). Also called: AORTIC ANEURYSM/AORTIC DISSECTION AND PATENT DUCTUS ARTERIOSUS. Identifiers: MedGen C1851504, MONDO:0007568, OMIM 132900.
Visceral myopathy 2. Identifiers: MedGen C5543466, MONDO:0859157, OMIM 619350.
Megacystis-microcolon-intestinal hypoperistalsis syndrome 2. Identifiers: MedGen C5543476, MONDO:0025708, OMIM 619351.

Allele frequency attached by ClinVar (database versions not stated): ESP Exome Variant Server 0.00008; ExAC 0.00011; gnomAD exomes 0.00011; gnomAD 0.00015; TOPMed 0.00017; 1000 Genomes Project 30x 0.00031; 1000 Genomes Project 0.00040.
gnomAD v4.1: 131 of 1,614,192 alleles (0.0081%); highest among the groups gnomAD compares: African/African-American, 0.031%; no homozygotes.

Submissions (6):

Labcorp Genetics (formerly Invitae), Labcorp
Classification: Likely benign for Aortic aneurysm, familial thoracic 4. Last evaluated: 2025-11-25. Review status: criteria provided, single submitter. Criteria: Invitae Variant Classification Sherloc (09022015). Collection method: clinical testing. Allele origin: germline.

Blueprint Genetics
Classification: Likely benign. Last evaluated: 2024-10-31. Review status: criteria provided, single submitter. Criteria: ACMG Guidelines, 2015. Collection method: clinical testing. Allele origin: germline.

All of Us Research Program, National Institutes of Health
Classification: Likely benign for Familial thoracic aortic aneurysm and aortic dissection. Last evaluated: 2024-02-05. Review status: criteria provided, single submitter. Criteria: ACMG Guidelines, 2015. Collection method: clinical testing. Allele origin: germline. Inheritance: Autosomal dominant inheritance. Observed: 14 variant alleles, 14 heterozygotes.
Comment: This study involves interpretation of variants in research participants for the purpose of population health screening. Participant phenotype was not available at the time of variant classification. Additional details can be found in publication PMID: 35346344, PMCID: PMC8962531

Fulgent Genetics
Classification: Likely benign for Aortic aneurysm, familial thoracic 4; Visceral myopathy 2; Megacystis-microcolon-intestinal hypoperistalsis syndrome 2. Last evaluated: 2021-10-12. Review status: criteria provided, single submitter. Criteria: ACMG Guidelines, 2015. Collection method: clinical testing. Allele origin: unknown.

Color Diagnostics, LLC DBA Color Health
Classification: Likely benign for Familial thoracic aortic aneurysm and aortic dissection. Last evaluated: 2019-02-08. Review status: criteria provided, single submitter. Criteria: ACMG Guidelines, 2015. Collection method: clinical testing. Allele origin: germline.

Ambry Genetics
Classification: Likely benign for Familial thoracic aortic aneurysm and aortic dissection. Last evaluated: 2016-08-11. Review status: criteria provided, single submitter. Criteria: Ambry Variant Classification Scheme 2023. Collection method: clinical testing. Allele origin: germline.

NM_002474.3(MYH11):c.1317C>T (p.Arg439=)

Gene: MYH11 (myosin heavy chain 11; minus strand). Cytogenetic location: 16p13.11.
Variant type: single nucleotide variant.
Coding change: c.1317C>T on transcript NM_002474.3 (MANE Select); coding-DNA position 1317, C replaced by T.
Protein change: p.Arg439=; no amino-acid change (arginine 439 retained).
Molecular consequence: synonymous variant.
Genome position (GRCh38, 1-based): chr16:15,759,660, G>A on the plus strand (C>T on the coding strand, the complement: MYH11 is on the minus strand). VCF-style: chr16-15759660-G-A. GRCh37 (hg19) VCF-style: chr16-15853517-G-A.
Other names: c.1338C>T, p.Arg446= (NM_001040113.2, NM_001040114.2); c.1317C>T, p.Arg439= (NM_022844.3).
Identifiers: ClinVar variation 519940 (VCV000519940.18), dbSNP rs183292376, ClinGen allele CA7922639.